The following is an entry in ClinVar:

ClinVar aggregate classification (germline): Uncertain significance (1 of 4 stars; one submission).

Allele frequency attached by ClinVar (database versions not stated): gnomAD 0.00001; gnomAD exomes 0.00001; ExAC 0.00002.
gnomAD v4.1: 10 of 1,613,802 alleles (0.00062%); highest among the groups gnomAD compares: Admixed American, 0.01%; no homozygotes.

Submission:

Labcorp Genetics (formerly Invitae), Labcorp
Classification: Uncertain significance. Last evaluated: 2025-06-30. Review status: criteria provided, single submitter. Criteria: Invitae Variant Classification Sherloc (09022015). Collection method: clinical testing. Allele origin: germline.
Comment: This sequence change replaces arginine, which is basic and polar, with cysteine, which is neutral and slightly polar, at codon 171 of the TBX6 protein (p.Arg171Cys). This variant is present in population databases (rs776273220, gnomAD 0.01%). This missense change has been observed in individual(s) with Mayer-Rokitansky-Küster-Hauser syndrome (PMID: 36112137). ClinVar contains an entry for this variant (Variation ID: 1933846). Invitae Evidence Modeling of protein sequence and biophysical properties (such as structural, functional, and spatial information, amino acid conservation, physicochemical variation, residue mobility, and thermodynamic stability) indicates that this missense variant is not expected to disrupt TBX6 protein function with a negative predictive value of 80%. Experimental studies have shown that this missense change does not substantially affect TBX6 function (PMID: 36112137). In summary, the available evidence is currently insufficient to determine the role of this variant in disease. Therefore, it has been classified as a Variant of Uncertain Significance.

Literature cited by the submitters: PubMed 36112137.

NM_004608.4(TBX6):c.511C>T (p.Arg171Cys)

Gene: TBX6 (T-box transcription factor 6; minus strand). Cytogenetic location: 16p11.2.
Variant type: single nucleotide variant.
Coding change: c.511C>T on transcript NM_004608.4 (MANE Select); coding-DNA position 511, C replaced by T.
Protein change: p.Arg171Cys; replaces arginine 171 with cysteine.
Molecular consequence: missense variant.
Genome position (GRCh38, 1-based): chr16:30,089,053, G>A on the plus strand (C>T on the coding strand, the complement: TBX6 is on the minus strand). VCF-style: chr16-30089053-G-A. GRCh37 (hg19) VCF-style: chr16-30100374-G-A.
Other names: short protein forms R171C.
Identifiers: ClinVar variation 1933846 (VCV001933846.5), dbSNP rs776273220, ClinGen allele CA8001903.